The following is an entry in ClinVar:

NM_016938.5(EFEMP2):c.454C>G (p.Pro152Ala)

Gene: EFEMP2 (EGF containing fibulin extracellular matrix protein 2; minus strand). Cytogenetic location: 11q13.1.
Variant type: single nucleotide variant.
Coding change: c.454C>G on transcript NM_016938.5 (MANE Select); coding-DNA position 454, C replaced by G.
Protein change: p.Pro152Ala; replaces proline 152 with alanine.
Molecular consequence: missense variant. On other transcripts: non-coding transcript variant (1).
Genome position (GRCh38, 1-based): chr11:65,870,572, G>C on the plus strand (C>G on the coding strand, the complement: EFEMP2 is on the minus strand). VCF-style: chr11-65870572-G-C. GRCh37 (hg19) VCF-style: chr11-65638043-G-C.
Other names: short protein forms P152A.
Identifiers: ClinVar variation 2560527 (VCV002560527.2), dbSNP rs2495578973, ClinGen allele CA381307411.

ClinVar aggregate classification (germline): Uncertain significance (1 of 4 stars; one submission).

Conditions:
Cardiovascular phenotype. Identifiers: MedGen CN230736.

Submission:

Ambry Genetics
Classification: Uncertain significance for Cardiovascular phenotype. Last evaluated: 2023-04-17. Review status: criteria provided, single submitter. Criteria: Ambry Variant Classification Scheme 2023. Collection method: clinical testing. Allele origin: germline.
Comment: The p.P152A variant (also known as c.454C>G), located in coding exon 4 of the EFEMP2 gene, results from a C to G substitution at nucleotide position 454. The proline at codon 152 is replaced by alanine, an amino acid with highly similar properties. This amino acid position is conserved. In addition, the in silico prediction for this alteration is inconclusive. Since supporting evidence is limited at this time, the clinical significance of this alteration remains unclear.